The following is an entry in ClinVar:

NM_197968.4(ZMYM2):c.2911+2_2911+3dup

Gene: ZMYM2 (zinc finger MYM-type containing 2; plus strand). Cytogenetic location: 13q12.11.
Variant type: Duplication.
Coding change: c.2911+2_2911+3dup on transcript NM_197968.4 (MANE Select); the canonical splice donor site of the intron after coding-DNA position 2911 through 3 bases into the intron after coding-DNA position 2911, 2 bases duplicated (TG; older notation c.2911+2_2911+3dupTG).
Molecular consequence: splice donor variant.
Genome position (GRCh38, 1-based): chr13:20,061,226-20,061,227, TG duplicated; duplicating any 2 consecutive bases within chr13:20,061,225-20,061,227 gives the same sequence; the c. name uses the placement nearest the transcript's 3' end. VCF-style (leftmost placement, unchanged base first): chr13-20061224-A-AGT. GRCh37 (hg19) VCF-style: chr13-20635364-A-AGT.
Other names: c.2650+2_2650+3dup (NM_001353163.2); c.2911+2_2911+3dup (NM_001353157.2, NM_001353164.2, NM_001353159.2 and 5 more transcripts); c.2716+2_2716+3dup (NM_001353161.3).
Identifiers: ClinVar variation 3364284 (VCV003364284.1).

ClinVar aggregate classification (germline): Uncertain significance (1 of 4 stars; one submission).

Submission:

GeneDx
Classification: Uncertain significance. Last evaluated: 2023-11-15. Review status: criteria provided, single submitter. Criteria: GeneDx Variant Classification Process June 2021. Collection method: clinical testing. Allele origin: germline. Affected: yes.
Comment: Not observed at significant frequency in large population cohorts (gnomAD); In silico analysis supports a deleterious effect on splicing; Has not been previously published as pathogenic or benign to our knowledge